The following is an entry in ClinVar:

ClinVar aggregate classification (germline): Uncertain significance (1 of 4 stars; one submission).

Conditions:
Immunodeficiency, common variable, 7. Identifiers: Orphanet 1572, Orphanet 696894, MedGen C3542922, MONDO:0013862, OMIM 614699.

Allele frequency attached by ClinVar (database versions not stated): gnomAD exomes below 0.00001.
gnomAD v4.1: 7 of 1,613,888 alleles (0.00043%); highest among the groups gnomAD compares: African/African-American, 0.0053%; no homozygotes.

Submission:

Labcorp Genetics (formerly Invitae), Labcorp
Classification: Uncertain significance for Immunodeficiency, common variable, 7. Last evaluated: 2022-10-13. Review status: criteria provided, single submitter. Criteria: Invitae Variant Classification Sherloc (09022015). Collection method: clinical testing. Allele origin: germline.
Comment: This sequence change replaces glycine, which is neutral and non-polar, with aspartic acid, which is acidic and polar, at codon 442 of the CR2 protein (p.Gly442Asp). In summary, the available evidence is currently insufficient to determine the role of this variant in disease. Therefore, it has been classified as a Variant of Uncertain Significance. Algorithms developed to predict the effect of missense changes on protein structure and function are either unavailable or do not agree on the potential impact of this missense change (SIFT: "Deleterious"; PolyPhen-2: "Probably Damaging"; Align-GVGD: "Class C0"). This variant has not been reported in the literature in individuals affected with CR2-related conditions. This variant is not present in population databases (gnomAD no frequency).

NM_001006658.3(CR2):c.1325G>A (p.Gly442Asp)

Gene: CR2 (complement C3d receptor 2; plus strand). Cytogenetic location: 1q32.2.
Variant type: single nucleotide variant.
Coding change: c.1325G>A on transcript NM_001006658.3 (MANE Select); coding-DNA position 1325, G replaced by A.
Protein change: p.Gly442Asp; replaces glycine 442 with aspartic acid.
Molecular consequence: missense variant.
Genome position (GRCh38, 1-based): chr1:207,470,839, G>A. VCF-style: chr1-207470839-G-A. GRCh37 (hg19) VCF-style: chr1-207644184-G-A.
Other names: c.1325G>A, p.Gly442Asp (NM_001877.5); short protein forms G442D.
Identifiers: ClinVar variation 2420573 (VCV002420573.5), dbSNP rs2527217465, ClinGen allele CA344530380.